The following is an entry in ClinVar:

NM_206933.4(USH2A):c.14537C>G (p.Ser4846Cys)

Gene: USH2A (usherin; minus strand). Cytogenetic location: 1q41.
Variant type: single nucleotide variant.
Coding change: c.14537C>G on transcript NM_206933.4 (MANE Select); coding-DNA position 14537, C replaced by G.
Protein change: p.Ser4846Cys; replaces serine 4846 with cysteine.
Molecular consequence: missense variant.
Genome position (GRCh38, 1-based): chr1:215,648,573, G>C on the plus strand (C>G on the coding strand, the complement: USH2A is on the minus strand). VCF-style: chr1-215648573-G-C. GRCh37 (hg19) VCF-style: chr1-215821915-G-C.
Other names: short protein forms S4846C.
Identifiers: ClinVar variation 1042327 (VCV001042327.8), dbSNP rs781558053, ClinGen allele CA344833283.
Genomic context (GRCh38, chr1:215,648,573, plus strand): 5'-TGCCTGACCCATTACCTGTGAATGACACCATTGGGGAACATGGGGGGACTCCACCGGAAG[G>C]AGGCCGTCCTTGAGGCCAGCGTCCCGATTTGTGGAGAGGACAGTCCTGAGGGTGGGGCAG-3'
Protein context (NP_996816.3, residues 4836-4856): QIGTLASRTA[Ser4846Cys]FRWSPPMFPN

ClinVar aggregate classification (germline): Uncertain significance. Review status: criteria provided, multiple submitters, no conflicts (2 of 4 stars). 3 submissions from 3 submitters: Uncertain significance (2). 1 of the submissions does not count toward it. Last evaluated 2022-03-18.

Conditions:
Usher syndrome type 2A. Also called: RETINAL DISEASE IN USHER SYNDROME TYPE IIA, MODIFIER OF; USHER SYNDROME, TYPE IIA. Identifiers: Orphanet 231178, Orphanet 886, MedGen C1848634, MONDO:0010169, OMIM 276901.

Allele frequency attached by ClinVar (database versions not stated): TOPMed 0.00001.
gnomAD v4.1: 3 of 1,614,074 alleles (0.00019%); highest among the groups gnomAD compares: African/African-American, 0.0027%; no homozygotes.

Submissions (3):

Labcorp Genetics (formerly Invitae), Labcorp
Classification: Uncertain significance. Last evaluated: 2022-03-18. Review status: criteria provided, single submitter. Criteria: Invitae Variant Classification Sherloc (09022015). Collection method: clinical testing. Allele origin: germline.
Comment: This sequence change replaces serine, which is neutral and polar, with cysteine, which is neutral and slightly polar, at codon 4846 of the USH2A protein (p.Ser4846Cys). This variant is present in population databases (no rsID available, gnomAD 0.01%). This variant has not been reported in the literature in individuals affected with USH2A-related conditions. ClinVar contains an entry for this variant (Variation ID: 1042327). Algorithms developed to predict the effect of missense changes on protein structure and function are either unavailable or do not agree on the potential impact of this missense change (SIFT: "Deleterious"; PolyPhen-2: "Probably Damaging"; Align-GVGD: "Class C0"). In summary, the available evidence is currently insufficient to determine the role of this variant in disease. Therefore, it has been classified as a Variant of Uncertain Significance.

Blueprint Genetics
Classification: Uncertain significance. Last evaluated: 2020-07-30. Review status: criteria provided, single submitter. Criteria: ACMG Guidelines, 2015. Collection method: clinical testing. Allele origin: germline.

Natera, Inc.
Classification: Uncertain significance for Usher syndrome type 2A. Last evaluated: 2020-10-16. Review status: no assertion criteria provided. Collection method: clinical testing. Allele origin: germline. Not counted in ClinVar's aggregate classification.